The following is an entry in ClinVar:

NM_001297595.2(SIN3B):c.1848C>T (p.Ser616=)

Gene: SIN3B (SIN3 transcription regulator family member B; plus strand). Cytogenetic location: 19p13.11.
Variant type: single nucleotide variant.
Coding change: c.1848C>T on transcript NM_001297595.2 (MANE Select); coding-DNA position 1848, C replaced by T.
Protein change: p.Ser616=; no amino-acid change (serine 616 retained).
Molecular consequence: synonymous variant.
Genome position (GRCh38, 1-based): chr19:16,869,501, C>T. VCF-style: chr19-16869501-C-T. GRCh37 (hg19) VCF-style: chr19-16980312-C-T.
Other names: c.618C>T, p.Ser206= (NM_001297597.2); c.1944C>T, p.Ser648= (NM_015260.4).
Identifiers: ClinVar variation 3036137 (VCV003036137.4), dbSNP rs144969688, ClinGen allele CA9283322.

ClinVar aggregate classification (germline): Likely benign. Review status: criteria provided, single submitter (1 of 4 stars). 2 submissions from 2 submitters: Likely benign (1). 1 of the submissions does not count toward it. Last evaluated 2026-06-01.

Conditions:
SIN3B-related disorder. Also called: SIN3B-related condition.

Allele frequency attached by ClinVar (database versions not stated): gnomAD 0.00007; ESP Exome Variant Server 0.00008; gnomAD exomes 0.00008; TOPMed 0.00019; ExAC 0.00023.
gnomAD v4.1: 126 of 1,612,866 alleles (0.0078%); highest among the groups gnomAD compares: Admixed American, 0.16%; 1 homozygote.

Submissions (2):

CeGaT Center for Human Genetics Tuebingen
Classification: Likely benign. Last evaluated: 2026-06-01. Review status: criteria provided, single submitter. Criteria: CeGaT Center For Human Genetics Tuebingen Variant Classification Criteria Version 2. Collection method: clinical testing. Allele origin: germline. Affected: yes. Observed: 1 variant allele.
Comment: SIN3B: BP4, BP7

PreventionGenetics, part of Exact Sciences
Classification: Likely benign for SIN3B-related condition. Last evaluated: 2022-08-29. Review status: no assertion criteria provided. Collection method: clinical testing. Allele origin: germline. Not counted in ClinVar's aggregate classification.
Comment: This variant is classified as likely benign based on ACMG/AMP sequence variant interpretation guidelines (Richards et al. 2015 PMID: 25741868, with internal and published modifications).